The following is an entry in ClinVar:

NM_001009944.3(PKD1):c.3238C>T (p.Pro1080Ser)

Gene: PKD1 (polycystin 1, transient receptor potential channel interacting; minus strand). Cytogenetic location: 16p13.3.
Variant type: single nucleotide variant.
Coding change: c.3238C>T on transcript NM_001009944.3 (MANE Select); coding-DNA position 3238, C replaced by T.
Protein change: p.Pro1080Ser; replaces proline 1080 with serine.
Molecular consequence: missense variant.
Genome position (GRCh38, 1-based): chr16:2,112,397, G>A on the plus strand (C>T on the coding strand, the complement: PKD1 is on the minus strand). VCF-style: chr16-2112397-G-A. GRCh37 (hg19) VCF-style: chr16-2162398-G-A.
Other names: c.3238C>T, p.Pro1080Ser (NM_000296.4); short protein forms P1080S.
Identifiers: ClinVar variation 3777384 (VCV003777384.1).

ClinVar aggregate classification (germline): Uncertain significance (1 of 4 stars; one submission).

gnomAD v4.1: 2 of 1,587,320 alleles (0.00013%); highest among the groups gnomAD compares: Admixed American, 0.0034%; no homozygotes.

Submission:

GeneDx
Classification: Uncertain significance. Last evaluated: 2024-10-13. Review status: criteria provided, single submitter. Criteria: GeneDx Variant Classification Process June 2021. Collection method: clinical testing. Allele origin: germline. Affected: yes.
Comment: Not observed at significant frequency in large population cohorts (gnomAD); In silico analysis supports that this missense variant has a deleterious effect on protein structure/function; Has not been previously published as pathogenic or benign to our knowledge